The following is an entry in ClinVar:

ClinVar aggregate classification (germline): Uncertain significance (1 of 4 stars; one submission).

Conditions:
Cranioectodermal dysplasia 2 (CED2). Identifiers: Orphanet 1515, MedGen C3150874, MONDO:0013323, OMIM 613610.

Submission:

Juno Genomics, Hangzhou Juno Genomics, Inc
Classification: Uncertain significance for Cranioectodermal dysplasia 2. Review status: criteria provided, single submitter. Criteria: ACMG Guidelines, 2015. Collection method: clinical testing. Allele origin: germline. Affected: yes.
Comment: Absent from controls (or at extremely low frequency if recessive) in Genome Aggregation Database.;Multiple lines of computational evidence support a deleterious effect on the gene or gene product.;For recessive disorders, detected in trans with a pathogenic variant.;Patient's phenotype or family history is highly specific for a disease with a single genetic etiology.

NM_020779.4(WDR35):c.215-8T>G

Gene: WDR35 (WD repeat domain 35; minus strand). Cytogenetic location: 2p24.1.
Variant type: single nucleotide variant.
Coding change: c.215-8T>G on transcript NM_020779.4 (MANE Select); 8 bases into the intron before coding-DNA position 215, T replaced by G.
Molecular consequence: intron variant.
Genome position (GRCh38, 1-based): chr2:19,980,791, A>C on the plus strand (T>G on the coding strand, the complement: WDR35 is on the minus strand). VCF-style: chr2-19980791-A-C. GRCh37 (hg19) VCF-style: chr2-20180552-A-C.
Other names: c.215-8T>G (NM_001006657.2).
Identifiers: ClinVar variation 5037969 (VCV005037969.1).